The following is an entry in ClinVar:

ClinVar aggregate classification (germline): Uncertain significance. Review status: criteria provided, multiple submitters, no conflicts (2 of 4 stars). 2 submissions from 2 submitters: Uncertain significance (2). Last evaluated 2024-10-19.

Conditions:
Hereditary cancer-predisposing syndrome. Also called: Tumor predisposition; Neoplastic Syndromes, Hereditary; Hereditary Cancer Syndrome; Hereditary neoplastic syndrome. Identifiers: Orphanet 140162, MedGen C0027672, MeSH D009386, MONDO:0015356.
Cardiovascular phenotype. Identifiers: MedGen CN230736.

Allele frequency attached by ClinVar (database versions not stated): gnomAD exomes below 0.00001.
gnomAD v4.1: 1 of 1,614,132 alleles (0.000062%); highest among the groups gnomAD compares: Non-Finnish European, 0.000085%; no homozygotes.

Submissions (2):

Labcorp Genetics (formerly Invitae), Labcorp
Classification: Uncertain significance. Last evaluated: 2024-10-19. Review status: criteria provided, single submitter. Criteria: Invitae Variant Classification Sherloc (09022015). Collection method: clinical testing. Allele origin: germline.
Comment: This sequence change replaces proline, which is neutral and non-polar, with arginine, which is basic and polar, at codon 226 of the LZTR1 protein (p.Pro226Arg). This variant is not present in population databases (gnomAD no frequency). This missense change has been observed in individual(s) with Noonan syndrom (internal data). ClinVar contains an entry for this variant (Variation ID: 2007175). Invitae Evidence Modeling of protein sequence and biophysical properties (such as structural, functional, and spatial information, amino acid conservation, physicochemical variation, residue mobility, and thermodynamic stability) indicates that this missense variant is not expected to disrupt LZTR1 protein function with a negative predictive value of 80%. This variant disrupts the p.Pro226 amino acid residue in LZTR1. Other variant(s) that disrupt this residue have been observed in individuals with LZTR1-related conditions (internal data), which suggests that this may be a clinically significant amino acid residue. In summary, the available evidence is currently insufficient to determine the role of this variant in disease. Therefore, it has been classified as a Variant of Uncertain Significance.

Ambry Genetics
Classification: Uncertain significance for Cardiovascular phenotype; Hereditary cancer-predisposing syndrome. Last evaluated: 2023-09-22. Review status: criteria provided, single submitter. Criteria: Ambry Variant Classification Scheme 2023. Collection method: clinical testing. Allele origin: germline.
Comment: The p.P226R variant (also known as c.677C>G), located in coding exon 8 of the LZTR1 gene, results from a C to G substitution at nucleotide position 677. The proline at codon 226 is replaced by arginine, an amino acid with dissimilar properties. This amino acid position is conserved. In addition, the in silico prediction for this alteration is inconclusive. Since supporting evidence is limited at this time, the clinical significance of this alteration remains unclear.

NM_006767.4(LZTR1):c.677C>G (p.Pro226Arg)

Gene: LZTR1 (leucine zipper like post translational regulator 1; plus strand). Cytogenetic location: 22q11.21.
Variant type: single nucleotide variant.
Coding change: c.677C>G on transcript NM_006767.4 (MANE Select); coding-DNA position 677, C replaced by G.
Protein change: p.Pro226Arg; replaces proline 226 with arginine.
Molecular consequence: missense variant.
Genome position (GRCh38, 1-based): chr22:20,990,411, C>G. VCF-style: chr22-20990411-C-G. GRCh37 (hg19) VCF-style: chr22-21344700-C-G.
Other names: c.677C>G (NM_006767.3); short protein forms P226R.
Identifiers: ClinVar variation 2007175 (VCV002007175.5), dbSNP rs2147964011, ClinGen allele CA410780461.
Genomic context (GRCh38, chr22:20,990,411, plus strand): 5'-TGAGGCCGGGGCTGAGCTGTCCTCTCCCCCTGCAGGTGGCCCAGAGTGGCGAGATCCCCC[C>G]ATCTTGCTGCAACTTCCCCGTGGCTGTGTGCCGGGACAAGATGTTTGTATTCTCTGGGCA-3'
Protein context (NP_006758.2, residues 216-236): EEVAQSGEIP[Pro226Arg]SCCNFPVAVC